The following is an entry in ClinVar:

NM_001098.3(ACO2):c.2204G>A (p.Gly735Asp)

Genes: ACO2 (aconitase 2; plus strand), POLR3H (RNA polymerase III subunit H; minus strand). Cytogenetic location: 22q13.2.
Variant type: single nucleotide variant.
Coding change: c.2204G>A on transcript NM_001098.3 (MANE Select); coding-DNA position 2204, G replaced by A.
Protein change: p.Gly735Asp; replaces glycine 735 with aspartic acid.
Molecular consequence: missense variant. On other transcripts: 3 prime UTR variant (5).
Genome position (GRCh38, 1-based): chr22:41,528,018, G>A. VCF-style: chr22-41528018-G-A. GRCh37 (hg19) VCF-style: chr22-41924022-G-A.
Other names: c.*1265C>T (NM_001018050.4, NM_001018052.4, NM_001282884.2 and 2 more transcripts); short protein forms G735D.
Identifiers: ClinVar variation 4765211 (VCV004765211.1).

ClinVar aggregate classification (germline): Uncertain significance (1 of 4 stars; one submission).

gnomAD v4.1: 2 of 1,614,154 alleles (0.00012%); highest among the groups gnomAD compares: Non-Finnish European, 0.00017%; no homozygotes.

Submission:

Labcorp Genetics (formerly Invitae), Labcorp
Classification: Uncertain significance. Last evaluated: 2025-07-21. Review status: criteria provided, single submitter. Criteria: Invitae Variant Classification Sherloc (09022015). Collection method: clinical testing. Allele origin: germline.
Comment: This sequence change replaces glycine, which is neutral and non-polar, with aspartic acid, which is acidic and polar, at codon 735 of the ACO2 protein (p.Gly735Asp). This variant is not present in population databases (gnomAD no frequency). This variant has not been reported in the literature in individuals affected with ACO2-related conditions. Invitae Evidence Modeling of protein sequence and biophysical properties (such as structural, functional, and spatial information, amino acid conservation, physicochemical variation, residue mobility, and thermodynamic stability) indicates that this missense variant is not expected to disrupt ACO2 protein function with a negative predictive value of 80%. In summary, the available evidence is currently insufficient to determine the role of this variant in disease. Therefore, it has been classified as a Variant of Uncertain Significance.